The following is an entry in ClinVar:

NM_000057.4(BLM):c.3044C>A (p.Thr1015Lys)

Gene: BLM (BLM RecQ like helicase; plus strand). Cytogenetic location: 15q26.1.
Variant type: single nucleotide variant.
Coding change: c.3044C>A on transcript NM_000057.4 (MANE Select); coding-DNA position 3044, C replaced by A.
Protein change: p.Thr1015Lys; replaces threonine 1015 with lysine.
Molecular consequence: missense variant.
Genome position (GRCh38, 1-based): chr15:90,794,191, C>A. VCF-style: chr15-90794191-C-A. GRCh37 (hg19) VCF-style: chr15-91337421-C-A.
Other names: c.3044C>A, p.Thr1015Lys (NM_001287246.2, NM_001287247.2); c.1919C>A, p.Thr640Lys (NM_001287248.2); short protein forms T1015K, T640K.
Identifiers: ClinVar variation 1987750 (VCV001987750.4), dbSNP rs202196488, ClinGen allele CA393846704.

ClinVar aggregate classification (germline): Uncertain significance (1 of 4 stars; one submission).

Conditions:
Bloom syndrome (BLM). Also called: Bloom-Torre-Machacek syndrome. Identifiers: Orphanet 125, MedGen C0005859, MONDO:0008876, OMIM 210900.

Submission:

Labcorp Genetics (formerly Invitae), Labcorp
Classification: Uncertain significance for Bloom syndrome. Last evaluated: 2024-12-29. Review status: criteria provided, single submitter. Criteria: Invitae Variant Classification Sherloc (09022015). Collection method: clinical testing. Allele origin: germline.
Comment: This sequence change replaces threonine, which is neutral and polar, with lysine, which is basic and polar, at codon 1015 of the BLM protein (p.Thr1015Lys). This variant is not present in population databases (gnomAD no frequency). This variant has not been reported in the literature in individuals affected with BLM-related conditions. ClinVar contains an entry for this variant (Variation ID: 1987750). Invitae Evidence Modeling of protein sequence and biophysical properties (such as structural, functional, and spatial information, amino acid conservation, physicochemical variation, residue mobility, and thermodynamic stability) indicates that this missense variant is expected to disrupt BLM protein function with a positive predictive value of 80%. In summary, the available evidence is currently insufficient to determine the role of this variant in disease. Therefore, it has been classified as a Variant of Uncertain Significance.